The following is an entry in ClinVar:

ClinVar aggregate classification (germline): Uncertain significance. Review status: criteria provided, multiple submitters, no conflicts (2 of 4 stars). 2 submissions from 2 submitters: Uncertain significance (2). Last evaluated 2025-05-18.

Conditions:
Inborn genetic diseases. Identifiers: MedGen C0950123, MeSH D030342.

gnomAD v4.1: 34 of 1,614,256 alleles (0.0021%); highest among the groups gnomAD compares: South Asian, 0.031%; no homozygotes.

Submissions (2):

Ambry Genetics
Classification: Uncertain significance for Inborn genetic diseases. Last evaluated: 2025-05-18. Review status: criteria provided, single submitter. Criteria: Ambry Variant Classification Scheme 2023. Collection method: clinical testing. Allele origin: germline.

Labcorp Genetics (formerly Invitae), Labcorp
Classification: Uncertain significance. Last evaluated: 2022-08-31. Review status: criteria provided, single submitter. Criteria: Invitae Variant Classification Sherloc (09022015). Collection method: clinical testing. Allele origin: germline.
Comment: This sequence change replaces glutamic acid, which is acidic and polar, with aspartic acid, which is acidic and polar, at codon 2129 of the GPR179 protein (p.Glu2129Asp). In summary, the available evidence is currently insufficient to determine the role of this variant in disease. Therefore, it has been classified as a Variant of Uncertain Significance. Algorithms developed to predict the effect of missense changes on protein structure and function (SIFT, PolyPhen-2, Align-GVGD) all suggest that this variant is likely to be tolerated. ClinVar contains an entry for this variant (Variation ID: 1479411). This variant has not been reported in the literature in individuals affected with GPR179-related conditions. This variant is present in population databases (rs769326900, gnomAD 0.05%).

NM_001004334.4(GPR179):c.6387G>T (p.Glu2129Asp)

Gene: GPR179 (G protein-coupled receptor 179; minus strand). Cytogenetic location: 17q12.
Variant type: single nucleotide variant.
Coding change: c.6387G>T on transcript NM_001004334.4 (MANE Select); coding-DNA position 6387, G replaced by T.
Protein change: p.Glu2129Asp; replaces glutamic acid 2129 with aspartic acid.
Molecular consequence: missense variant.
Genome position (GRCh38, 1-based): chr17:38,327,182, C>A on the plus strand (G>T on the coding strand, the complement: GPR179 is on the minus strand). VCF-style: chr17-38327182-C-A. GRCh37 (hg19) VCF-style: chr17-36483065-C-A.
Other names: c.6387G>T (NM_001004334.2); short protein forms E2129D.
Identifiers: ClinVar variation 1479411 (VCV001479411.8), dbSNP rs769326900, ClinGen allele CA290102967.